The following is an entry in ClinVar:

ClinVar aggregate classification (germline): Uncertain significance (1 of 4 stars; one submission).

Conditions:
Cardiovascular phenotype. Identifiers: MedGen CN230736.

Allele frequency attached by ClinVar (database versions not stated): gnomAD exomes below 0.00001.
gnomAD v4.1: 1 of 1,614,154 alleles (0.000062%); highest among the groups gnomAD compares: African/African-American, 0.0013%; no homozygotes.

Submission:

Ambry Genetics
Classification: Uncertain significance for Cardiovascular phenotype. Last evaluated: 2023-06-01. Review status: criteria provided, single submitter. Criteria: Ambry Variant Classification Scheme 2023. Collection method: clinical testing. Allele origin: germline.
Comment: The p.T371P variant (also known as c.1111A>C), located in coding exon 9 of the DSG2 gene, results from an A to C substitution at nucleotide position 1111. The threonine at codon 371 is replaced by proline, an amino acid with highly similar properties. This amino acid position is conserved. In addition, this alteration is predicted to be tolerated by in silico analysis. Since supporting evidence is limited at this time, the clinical significance of this alteration remains unclear.

NM_001943.5(DSG2):c.1111A>C (p.Thr371Pro)

Gene: DSG2 (desmoglein 2; plus strand). Cytogenetic location: 18q12.1.
Variant type: single nucleotide variant.
Coding change: c.1111A>C on transcript NM_001943.5 (MANE Select); coding-DNA position 1111, A replaced by C.
Protein change: p.Thr371Pro; replaces threonine 371 with proline.
Molecular consequence: missense variant.
Genome position (GRCh38, 1-based): chr18:31,531,083, A>C. VCF-style: chr18-31531083-A-C. GRCh37 (hg19) VCF-style: chr18-29111046-A-C.
Other names: short protein forms T371P.
Identifiers: ClinVar variation 2563312 (VCV002563312.2), dbSNP rs2510915335, ClinGen allele CA402138564.